The following is an entry in ClinVar:

NM_012431.3(SEMA3E):c.1969G>A (p.Val657Ile)

Gene: SEMA3E (semaphorin 3E; minus strand). Cytogenetic location: 7q21.11.
Variant type: single nucleotide variant.
Coding change: c.1969G>A on transcript NM_012431.3 (MANE Select); coding-DNA position 1969, G replaced by A.
Protein change: p.Val657Ile; replaces valine 657 with isoleucine.
Molecular consequence: missense variant.
Genome position (GRCh38, 1-based): chr7:83,367,945, C>T on the plus strand (G>A on the coding strand, the complement: SEMA3E is on the minus strand). VCF-style: chr7-83367945-C-T. GRCh37 (hg19) VCF-style: chr7-82997261-C-T.
Other names: c.1789G>A, p.Val597Ile (NM_001178129.2); short protein forms V597I, V657I.
Identifiers: ClinVar variation 1315992 (VCV001315992.5), dbSNP rs747349269, ClinGen allele CA4321852.
Genomic context (GRCh38, chr7:83,367,945, plus strand): 5'-TCTCCTCTTCCACTACCTCCAAGGTGATTTTACGGACCGTATGGACAAAGCTATGCTCTA[C>T]TGTCTGGCAAAAATAGGTCCCAGCATCTGATTTGTGTAACCTTAGGAAGAGTAAACCAAG-3'
Protein context (NP_036563.1, residues 647-667): SDAGTYFCQT[Val657Ile]EHSFVHTVRK

ClinVar aggregate classification (germline): Uncertain significance. Review status: criteria provided, multiple submitters, no conflicts (2 of 4 stars). 3 submissions from 3 submitters: Uncertain significance (3). Last evaluated 2025-10-13.

Conditions:
SEMA3E-related disorder. Also called: SEMA3E-related condition.

Allele frequency attached by ClinVar (database versions not stated): ExAC 0.00001; gnomAD exomes 0.00001; TOPMed 0.00001.

Submissions (3):

PreventionGenetics, part of Exact Sciences
Classification: Uncertain significance for SEMA3E-related condition. Last evaluated: 2025-10-13. Review status: criteria provided, single submitter. Criteria: ACMG Guidelines, 2015. Collection method: clinical testing. Allele origin: germline.
Comment: The SEMA3E c.1969G>A variant is predicted to result in the amino acid substitution p.Val657Ile. To our knowledge, this variant has not been reported in the literature. This variant is reported in 0.0027% of alleles in individuals of European (non-Finnish) descent in gnomAD. At this time, the clinical significance of this variant is uncertain due to the absence of conclusive functional and genetic evidence.

Ambry Genetics
Classification: Uncertain significance. Last evaluated: 2025-08-11. Review status: criteria provided, single submitter. Criteria: Ambry Variant Classification Scheme 2023. Collection method: clinical testing. Allele origin: germline.

GeneDx
Classification: Uncertain significance. Last evaluated: 2019-11-29. Review status: criteria provided, single submitter. Criteria: GeneDx Variant Classification Process June 2021. Collection method: clinical testing. Allele origin: germline. Affected: yes.
Comment: In silico analysis, which includes protein predictors and evolutionary conservation, supports that this variant does not alter protein structure/function; Has not been previously published as pathogenic or benign to our knowledge